The following is an entry in ClinVar:

NM_001377229.1(DISP1):c.2699G>A (p.Ser900Asn)

Gene: DISP1 (dispatched RND transporter family member 1; plus strand). Cytogenetic location: 1q41.
Variant type: single nucleotide variant.
Coding change: c.2699G>A on transcript NM_001377229.1 (MANE Select); coding-DNA position 2699, G replaced by A.
Protein change: p.Ser900Asn; replaces serine 900 with asparagine.
Molecular consequence: missense variant.
Genome position (GRCh38, 1-based): chr1:223,004,096, G>A. VCF-style: chr1-223004096-G-A. GRCh37 (hg19) VCF-style: chr1-223177438-G-A.
Other names: c.1970G>A, p.Ser657Asn (NM_001350630.2); c.2699G>A, p.Ser900Asn (NM_001369594.1, NM_001377228.1, NM_032890.5); short protein forms S900N, S657N.
Identifiers: ClinVar variation 2718812 (VCV002718812.3), dbSNP rs765696618, ClinGen allele CA1409277.

ClinVar aggregate classification (germline): Uncertain significance (1 of 4 stars; one submission).

Allele frequency attached by ClinVar (database versions not stated): ExAC 0.00001; gnomAD 0.00001; gnomAD exomes 0.00003.
gnomAD v4.1: 40 of 1,614,072 alleles (0.0025%); highest among the groups gnomAD compares: Non-Finnish European, 0.0034%; no homozygotes.

Submission:

Labcorp Genetics (formerly Invitae), Labcorp
Classification: Uncertain significance. Last evaluated: 2023-08-06. Review status: criteria provided, single submitter. Criteria: Invitae Variant Classification Sherloc (09022015). Collection method: clinical testing. Allele origin: germline.
Comment: In summary, the available evidence is currently insufficient to determine the role of this variant in disease. Therefore, it has been classified as a Variant of Uncertain Significance. An algorithm developed to predict the effect of missense changes on protein structure and function (PolyPhen-2) suggests that this variant is likely to be tolerated. This variant has not been reported in the literature in individuals affected with DISP1-related conditions. This variant is present in population databases (rs765696618, gnomAD 0.004%). This sequence change replaces serine, which is neutral and polar, with asparagine, which is neutral and polar, at codon 900 of the DISP1 protein (p.Ser900Asn).